The following is an entry in ClinVar:

ClinVar aggregate classification (germline): Likely pathogenic. Review status: criteria provided, multiple submitters, no conflicts (2 of 4 stars). 2 submissions from 2 submitters: Likely pathogenic (2). Last evaluated 2023-11-06.

Conditions:
Early-infantile DEE. Also called: Early infantile epileptic encephalopathy with suppression bursts; Ohtahara syndrome; Early infantile epileptic encephalopathy. Identifiers: Orphanet 1934, MedGen C0393706, MONDO:0800491.
SCN1A-related disorder. Also called: SCN1A-related conditions; SCN1A-related condition; SCN1A-related disorders.

Submissions (2):

Labcorp Genetics (formerly Invitae), Labcorp
Classification: Likely pathogenic for Early-infantile DEE. Last evaluated: 2023-11-06. Review status: criteria provided, single submitter. Criteria: Invitae Variant Classification Sherloc (09022015). Collection method: clinical testing. Allele origin: germline.
Comment: This sequence change replaces phenylalanine, which is neutral and non-polar, with serine, which is neutral and polar, at codon 1710 of the SCN1A protein (p.Phe1710Ser). This variant is not present in population databases (gnomAD no frequency). This missense change has been observed in individual(s) with autosomal dominant Dravet syndrome (PMID: 29573403). This variant is also known as F1699S. ClinVar contains an entry for this variant (Variation ID: 955916). Advanced modeling of protein sequence and biophysical properties (such as structural, functional, and spatial information, amino acid conservation, physicochemical variation, residue mobility, and thermodynamic stability) performed at Invitae indicates that this missense variant is expected to disrupt SCN1A protein function with a positive predictive value of 95%. In summary, the currently available evidence indicates that the variant is pathogenic, but additional data are needed to prove that conclusively. Therefore, this variant has been classified as Likely Pathogenic.

Blueprint Genetics
Classification: Likely pathogenic for SCN1A-related disorders. Last evaluated: 2019-12-18. Review status: criteria provided, single submitter. Criteria: ACMG Guidelines, 2015. Collection method: clinical testing. Allele origin: germline. Affected: yes. Observed: 1 variant allele.

Literature cited by the submitters: PubMed 29573403 (cited by Labcorp Genetics (formerly Invitae), Labcorp).

NM_001165963.4(SCN1A):c.5129T>C (p.Phe1710Ser)

Genes: SCN1A (sodium voltage-gated channel alpha subunit 1; minus strand), LOC102724058 (uncharacterized LOC102724058; plus strand). Cytogenetic location: 2q24.3.
Variant type: single nucleotide variant.
Coding change: c.5129T>C on transcript NM_001165963.4 (MANE Select); coding-DNA position 5129, T replaced by C.
Protein change: p.Phe1710Ser; replaces phenylalanine 1710 with serine.
Molecular consequence: missense variant. On other transcripts: non-coding transcript variant (1).
Genome position (GRCh38, 1-based): chr2:165,992,146, A>G on the plus strand (T>C on the coding strand, the complement: SCN1A is on the minus strand). VCF-style: chr2-165992146-A-G. GRCh37 (hg19) VCF-style: chr2-166848656-A-G.
Other names: c.5045T>C, p.Phe1682Ser (NM_001165964.3, NM_001353957.2, NM_001353958.2); c.5129T>C, p.Phe1710Ser (NM_001202435.3, NM_001353948.2); c.5096T>C, p.Phe1699Ser (NM_001353949.2, NM_001353950.2, NM_001353951.2 and 2 more transcripts); c.5093T>C, p.Phe1698Ser (NM_001353954.2, NM_001353955.2); c.5042T>C, p.Phe1681Ser (NM_001353960.2); c.2687T>C, p.Phe896Ser (NM_001353961.2); short protein forms F1681S, F1698S, F1699S, F1710S, F896S, F1682S.
Identifiers: ClinVar variation 955916 (VCV000955916.6), dbSNP rs1689294239, ClinGen allele CA349069033.